The following is an entry in ClinVar:

ClinVar aggregate classification (germline): Likely benign (1 of 4 stars; one submission).

Conditions:
Familial cancer of breast. Also called: hereditary breast carcinoma; BREAST CANCER, FAMILIAL; Hereditary breast cancer. Identifiers: Orphanet 227535, MedGen C0346153, MONDO:0016419, OMIM 114480. Disease mechanism: loss of function.

Submission:

Myriad Genetics, Inc.
Classification: Likely benign for Familial cancer of breast. Last evaluated: 2024-06-14. Review status: criteria provided, single submitter. Criteria: Myriad Autosomal Dominant, Autosomal Recessive and X-Linked Classification Criteria (2023). Collection method: clinical testing. Allele origin: unknown.
Comment: This variant is considered likely benign. This variant is intronic and is not expected to impact mRNA splicing.

NM_000051.4(ATM):c.7516-12T>C

Genes: ATM (ATM serine/threonine kinase; plus strand), C11orf65 (chromosome 11 open reading frame 65; minus strand). Cytogenetic location: 11q22.3.
Variant type: single nucleotide variant.
Coding change: c.7516-12T>C on transcript NM_000051.4 (MANE Select); 12 bases into the intron before coding-DNA position 7516, T replaced by C.
Molecular consequence: intron variant. On other transcripts: non-coding transcript variant (1).
Genome position (GRCh38, 1-based): chr11:108,331,432, T>C. VCF-style: chr11-108331432-T-C. GRCh37 (hg19) VCF-style: chr11-108202159-T-C.
Other names: c.7516-12T>C (NM_001351834.2); c.641-22361A>G (NM_001330368.2); c.*38+3788A>G (NM_001351110.2).
Identifiers: ClinVar variation 3253779 (VCV003253779.1), dbSNP rs2547273196.
Genomic context (GRCh38, chr11:108,331,432, plus strand): 5'-ACTTACTTGCTTAGATGTGAGAATATTTGAAATACCTTGTTTCTTAATTTTGTGTCTTTT[T>C]TTTAATGGTAGAGAGACGGAATGAAGATTCCAACATATAAATTTTTGCCTCTTATGTACC-3'